The following is an entry in ClinVar:

ClinVar aggregate classification (germline): Uncertain significance. Review status: criteria provided, single submitter (1 of 4 stars). 2 submissions from 2 submitters: Uncertain significance (1). 1 of the submissions does not count toward it. Last evaluated 2022-08-20.

Conditions:
Alstrom syndrome (ALMS). Identifiers: Orphanet 64, MedGen C0268425, MONDO:0008763, OMIM 203800.

Submissions (2):

Labcorp Genetics (formerly Invitae), Labcorp
Classification: Uncertain significance for Alstrom syndrome. Last evaluated: 2022-08-20. Review status: criteria provided, single submitter. Criteria: Invitae Variant Classification Sherloc (09022015). Collection method: clinical testing. Allele origin: germline.
Comment: This variant, c.7542_7543insAAT, results in the insertion of 1 amino acid(s) of the ALMS1 protein (p.His2514_Ala2515insAsn), but otherwise preserves the integrity of the reading frame. This variant is present in population databases (rs757932553, gnomAD 0.001%). This variant has not been reported in the literature in individuals affected with ALMS1-related conditions. ClinVar contains an entry for this variant (Variation ID: 557978). Algorithms developed to predict the effect of sequence changes on RNA splicing suggest that this variant is not likely to affect RNA splicing. In summary, the available evidence is currently insufficient to determine the role of this variant in disease. Therefore, it has been classified as a Variant of Uncertain Significance.

Counsyl
Classification: Uncertain significance for Alstrom syndrome. Last evaluated: 2018-04-19. Review status: no assertion criteria provided. Collection method: clinical testing. Allele origin: unknown. Not counted in ClinVar's aggregate classification.

NM_001378454.1(ALMS1):c.7539_7540insAAT (p.His2513_Ala2514insAsn)

Gene: ALMS1 (ALMS1 centrosome and basal body associated protein; plus strand). Cytogenetic location: 2p13.1.
Variant type: Insertion.
Coding change: c.7539_7540insAAT on transcript NM_001378454.1 (MANE Select); coding-DNA positions 7539 to 7540, AAT inserted.
Protein change: p.His2513_Ala2514insAsn.
Molecular consequence: inframe insertion.
Genome position: GRCh38 VCF-style: chr2-73454064-C-CATA. GRCh37 (hg19) VCF-style: chr2-73681191-C-CATA.
Other names: c.7542_7543insAAT, p.His2514_Ala2515insAsn (NM_015120.4).
Identifiers: ClinVar variation 557978 (VCV000557978.4), dbSNP rs757932553, ClinGen allele CA1714251.